The following is an entry in ClinVar:

ClinVar aggregate classification (germline): Uncertain significance. Review status: criteria provided, single submitter (1 of 4 stars). 3 submissions from 3 submitters: Uncertain significance (1). 2 of the submissions do not count toward it. Last evaluated 2023-02-17.

Conditions:
Islet cell adenomatosis. Identifiers: MedGen C1578917, MONDO:0007834, OMIM 147630.
MAFA-related disorder. Also called: MAFA-related condition.

Submissions (3):

Department of Pathology and Laboratory Medicine, Sinai Health System
Classification: Uncertain significance for Islet cell adenomatosis. Last evaluated: 2023-02-17. Review status: criteria provided, single submitter. Criteria: ACMG Guidelines, 2015. Collection method: research. Allele origin: germline.

Genetic Services Laboratory, University of Chicago
Classification: Likely benign. Last evaluated: 2022-06-09. Review status: no assertion criteria provided. Collection method: clinical testing. Allele origin: germline. Affected: no. Not counted in ClinVar's aggregate classification.

PreventionGenetics, part of Exact Sciences
Classification: Likely benign for MAFA-related condition. Last evaluated: 2022-04-28. Review status: no assertion criteria provided. Collection method: clinical testing. Allele origin: germline. Not counted in ClinVar's aggregate classification.
Comment: This variant is classified as likely benign based on ACMG/AMP sequence variant interpretation guidelines (Richards et al. 2015 PMID: 25741868, with internal and published modifications).

NM_201589.4(MAFA):c.594CCA[7] (p.His206_His208del)

Gene: MAFA (MAF bZIP transcription factor A; minus strand). Cytogenetic location: 8q24.3.
Variant type: Microsatellite.
Coding change: c.594CCA[7] on transcript NM_201589.4 (MANE Select); seven copies in a row of the 3-base unit CCA starting at c.594; the reference has ten copies in a row; three copies, 9 bases deleted.
Protein change: p.His206_His208del.
Molecular consequence: inframe deletion.
Genome position (GRCh38, 1-based): chr8:143,429,784-143,429,792, TGGTGGTGG deleted on the plus strand (CCACCACCA on the coding strand, the reverse complement: MAFA is on the minus strand); deleting any 9 consecutive bases within chr8:143,429,784-143,429,813 gives the same sequence; the position shown is the placement nearest the transcript's 3' end. VCF-style (leftmost placement, unchanged base first): chr8-143429783-ATGGTGGTGG-A. GRCh37 (hg19) VCF-style: chr8-144511953-ATGGTGGTGG-A.
Other names: c.615_623del9 (NM_201589.3).
Identifiers: ClinVar variation 2443167 (VCV002443167.5), dbSNP rs141816879, ClinGen allele CA4909925.